The following is an entry in ClinVar:

NM_001999.4(FBN2):c.5437A>G (p.Lys1813Glu)

Gene: FBN2 (fibrillin 2; minus strand). Cytogenetic location: 5q23.3.
Variant type: single nucleotide variant.
Coding change: c.5437A>G on transcript NM_001999.4 (MANE Select); coding-DNA position 5437, A replaced by G.
Protein change: p.Lys1813Glu; replaces lysine 1813 with glutamic acid.
Molecular consequence: missense variant.
Genome position (GRCh38, 1-based): chr5:128,305,934, T>C on the plus strand (A>G on the coding strand, the complement: FBN2 is on the minus strand). VCF-style: chr5-128305934-T-C. GRCh37 (hg19) VCF-style: chr5-127641626-T-C.
Other names: short protein forms K1813E.
Identifiers: ClinVar variation 4745153 (VCV004745153.1).

ClinVar aggregate classification (germline): Uncertain significance (1 of 4 stars; one submission).

Conditions:
Congenital contractural arachnodactyly (CCA). Also called: BEALS SYNDROME; Arthrogryposis, distal, type 9; Beals-Hecht syndrome. Identifiers: Orphanet 115, MedGen C0220668, MONDO:0007363, OMIM 121050.

Submission:

Labcorp Genetics (formerly Invitae), Labcorp
Classification: Uncertain significance for Congenital contractural arachnodactyly. Last evaluated: 2025-12-25. Review status: criteria provided, single submitter. Criteria: Invitae Variant Classification Sherloc (09022015). Collection method: clinical testing. Allele origin: germline.
Comment: This sequence change replaces lysine, which is basic and polar, with glutamic acid, which is acidic and polar, at codon 1813 of the FBN2 protein (p.Lys1813Glu). This variant is not present in population databases (gnomAD no frequency). This variant has not been reported in the literature in individuals affected with FBN2-related conditions. Invitae Evidence Modeling of protein sequence and biophysical properties (such as structural, functional, and spatial information, amino acid conservation, physicochemical variation, residue mobility, and thermodynamic stability) indicates that this missense variant is not expected to disrupt FBN2 protein function with a negative predictive value of 80%. In summary, the available evidence is currently insufficient to determine the role of this variant in disease. Therefore, it has been classified as a Variant of Uncertain Significance.